The following is an entry in ClinVar:

NM_001164508.2(NEB):c.5983C>T (p.Gln1995Ter)

Gene: NEB (nebulin; minus strand). Cytogenetic location: 2q23.3.
Variant type: single nucleotide variant.
Coding change: c.5983C>T on transcript NM_001164508.2 (MANE Select); coding-DNA position 5983, C replaced by T.
Protein change: p.Gln1995Ter; replaces glutamine 1995 with a stop codon.
Molecular consequence: nonsense.
Genome position (GRCh38, 1-based): chr2:151,659,157, G>A on the plus strand (C>T on the coding strand, the complement: NEB is on the minus strand). VCF-style: chr2-151659157-G-A. GRCh37 (hg19) VCF-style: chr2-152515671-G-A.
Other names: c.5983C>T, p.Gln1995Ter (NM_001164507.2, NM_001271208.2, NM_004543.5); short protein forms Q1995*.
Identifiers: ClinVar variation 1724998 (VCV001724998.2), dbSNP rs2552254265, ClinGen allele CA348803464.

ClinVar aggregate classification (germline): Likely pathogenic (1 of 4 stars; one submission).

Conditions:
Nemaline myopathy 2 (NEM2). Also called: Nemaline myopathy 2, autosomal recessive. Identifiers: MedGen C1850569, MONDO:0009725, OMIM 256030.

Submission:

Myriad Genetics, Inc.
Classification: Likely pathogenic for Nemaline myopathy 2. Last evaluated: 2021-11-26. Review status: criteria provided, single submitter. Criteria: Myriad Women's Health Autosomal Recessive and X-Linked Classification Criteria (2021). Collection method: clinical testing. Allele origin: unknown.
Comment: NM_001271208.1(NEB):c.5983C>T(Q1995*) is expected to be pathogenic in the context of NEB-related nemaline myopathy. This variant is predicted to lead to an abnormal or absent protein product due to the creation of a premature termination codon in NEB, a gene where loss-of-function variants are known to be pathogenic. Please note: this variant was assessed in the context of healthy population screening.